The following is an entry in ClinVar:

ClinVar aggregate classification (germline): Likely benign. Review status: criteria provided, multiple submitters, no conflicts (2 of 4 stars). 2 submissions from 2 submitters: Likely benign (2). Last evaluated 2025-10-03.

Allele frequency attached by ClinVar (database versions not stated): gnomAD 0.00002; gnomAD exomes 0.00002; TOPMed 0.00003.
gnomAD v4.1: 19 of 1,209,311 alleles (0.0016%); highest among the groups gnomAD compares: Admixed American, 0.0044%; no homozygotes.

Submissions (2):

Labcorp Genetics (formerly Invitae), Labcorp
Classification: Likely benign. Last evaluated: 2025-10-03. Review status: criteria provided, single submitter. Criteria: Invitae Variant Classification Sherloc (09022015). Collection method: clinical testing. Allele origin: germline.

CeGaT Center for Human Genetics Tuebingen
Classification: Likely benign. Last evaluated: 2025-07-01. Review status: criteria provided, single submitter. Criteria: CeGaT Center For Human Genetics Tuebingen Variant Classification Criteria Version 2. Collection method: clinical testing. Allele origin: germline. Affected: yes. Observed: 1 variant allele.
Comment: SLC9A7: BP4, BP7

NM_001257291.2(SLC9A7):c.1389G>A (p.Pro463=)

Gene: SLC9A7 (solute carrier family 9 member A7; minus strand). Cytogenetic location: Xp11.3.
Variant type: single nucleotide variant.
Coding change: c.1389G>A on transcript NM_001257291.2 (MANE Select); coding-DNA position 1389, G replaced by A.
Protein change: p.Pro463=; no amino-acid change (proline 463 retained).
Molecular consequence: synonymous variant.
Genome position (GRCh38, 1-based): chrX:46,648,759, C>T on the plus strand (G>A on the coding strand, the complement: SLC9A7 is on the minus strand). VCF-style: chrX-46648759-C-T. GRCh37 (hg19) VCF-style: chrX-46508194-C-T.
Other names: c.1386G>A, p.Pro462= (NM_032591.3).
Identifiers: ClinVar variation 2727867 (VCV002727867.11), dbSNP rs1054631532, ClinGen allele CA329678809.